The following is an entry in ClinVar:

ClinVar aggregate classification (germline): Uncertain significance. Review status: criteria provided, multiple submitters, no conflicts (2 of 4 stars). 3 submissions from 3 submitters: Uncertain significance (3). Last evaluated 2025-11-27.

Conditions:
Gorlin syndrome. Also called: Nevoid Basal Cell Carcinoma Syndrome; Basal cell nevus syndrome. Identifiers: Orphanet 377, MedGen C0004779, MONDO:0007187.
Basal cell carcinoma, susceptibility to, 1. Also called: BCC1. Identifiers: MedGen C2751544, MONDO:0011556, OMIM 605462.
Medulloblastoma (MDB). Also called: Medulloblastoma, somatic; MEDULLOBLASTOMA PREDISPOSITION SYNDROME. Identifiers: Orphanet 616, MedGen C0025149, MeSH D008527, MONDO:0007959, OMIM 155255, HP:0002885.

Allele frequency attached by ClinVar (database versions not stated): gnomAD 0.00012 and 0.00013; ESP Exome Variant Server 0.00015; TOPMed 0.00016; ExAC 0.00011; gnomAD exomes 0.00009 and 0.00013.
gnomAD v4.1: 210 of 1,614,092 alleles (0.013%); highest among the groups gnomAD compares: Non-Finnish European, 0.017%; no homozygotes.

Submissions (3):

Labcorp Genetics (formerly Invitae), Labcorp
Classification: Uncertain significance for Gorlin syndrome. Last evaluated: 2025-11-27. Review status: criteria provided, single submitter. Criteria: Invitae Variant Classification Sherloc (09022015). Collection method: clinical testing. Allele origin: germline.
Comment: This sequence change replaces alanine, which is neutral and non-polar, with glycine, which is neutral and non-polar, at codon 371 of the PTCH2 protein (p.Ala371Gly). This variant is present in population databases (rs373859654, gnomAD 0.02%). This variant has not been reported in the literature in individuals affected with PTCH2-related conditions. ClinVar contains an entry for this variant (Variation ID: 951510). Invitae Evidence Modeling of protein sequence and biophysical properties (such as structural, functional, and spatial information, amino acid conservation, physicochemical variation, residue mobility, and thermodynamic stability) indicates that this missense variant is not expected to disrupt PTCH2 protein function with a negative predictive value of 80%. In summary, the available evidence is currently insufficient to determine the role of this variant in disease. Therefore, it has been classified as a Variant of Uncertain Significance.

Dasa
Classification: Uncertain significance. Last evaluated: 2025-05-06. Review status: criteria provided, single submitter. Criteria: DASA Assertion Criteria. Collection method: clinical testing. Allele origin: germline.
Comment: NM_003738.5(PTCH2):c.1112C>G (p.Ala371Gly) is a missense variant that results in the substitution of alanine with glycine. This variant is rare in population databases. Computational prediction algorithms are consistent with a benign effect. The currently available literature and clinical evidence are not sufficient to establish a definitive association between this variant and the reported condition. Therefore, this variant is classified as a variant of uncertain significance.

Fulgent Genetics
Classification: Uncertain significance for Medulloblastoma; Basal cell carcinoma, susceptibility to, 1. Last evaluated: 2024-02-09. Review status: criteria provided, single submitter. Criteria: ACMG Guidelines, 2015. Collection method: clinical testing. Allele origin: germline.

NM_003738.5(PTCH2):c.1112C>G (p.Ala371Gly)

Gene: PTCH2 (patched 2; minus strand). Cytogenetic location: 1p34.1.
Variant type: single nucleotide variant.
Coding change: c.1112C>G on transcript NM_003738.5 (MANE Select); coding-DNA position 1112, C replaced by G.
Protein change: p.Ala371Gly; replaces alanine 371 with glycine.
Molecular consequence: missense variant.
Genome position (GRCh38, 1-based): chr1:44,829,505, G>C on the plus strand (C>G on the coding strand, the complement: PTCH2 is on the minus strand). VCF-style: chr1-44829505-G-C. GRCh37 (hg19) VCF-style: chr1-45295177-G-C.
Other names: c.1112C>G, p.Ala371Gly (NM_001166292.2); short protein forms A371G.
Identifiers: ClinVar variation 951510 (VCV000951510.13), dbSNP rs373859654, ClinGen allele CA823420.